The following is an entry in ClinVar:

ClinVar aggregate classification (germline): Likely pathogenic (1 of 4 stars; one submission).

Conditions:
Charcot-Marie-Tooth disease, axonal, type 2KK. Identifiers: MedGen C6065946, MONDO:0980963, OMIM 621466.

Submission:

Clinical Genetics Laboratory, Skane University Hospital Lund
Classification: Likely pathogenic for Charcot-Marie-Tooth disease, axonal, type 2KK. Last evaluated: 2026-02-13. Review status: criteria provided, single submitter. Criteria: ACMG Guidelines, 2015. Collection method: clinical testing. Allele origin: germline. Inheritance: Autosomal recessive inheritance. Affected: yes.
Comment: ACMG criteria used: PVS1, PM3 and BS2.

NM_032900.6(ARHGAP19):c.563del (p.Pro188fs)

Genes: ARHGAP19 (Rho GTPase activating protein 19; minus strand), ARHGAP19-SLIT1 (ARHGAP19-SLIT1 readthrough (NMD candidate); minus strand). Cytogenetic location: 10q24.1.
Variant type: Deletion.
Coding change: c.563del on transcript NM_032900.6 (MANE Select); coding-DNA position 563, one base deleted (C; older notation c.563delC).
Protein change: p.Pro188fs; shifts the reading frame from proline 188.
Molecular consequence: frameshift variant. On other transcripts: non-coding transcript variant (1).
Genome position (GRCh38, 1-based): chr10:97,263,470, G deleted on the plus strand (C on the coding strand, the reverse complement: ARHGAP19 is on the minus strand); the first of 2 consecutive G bases (chr10:97,263,470-97,263,471); deleting either gives the same sequence. VCF-style (leftmost placement, unchanged base first): chr10-97263469-CG-C. GRCh37 (hg19) VCF-style: chr10-99023226-CG-C.
Other names: c.563del, p.Pro188fs (NM_001204300.2); c.536del, p.Pro179fs (NM_001256423.2); short protein forms P179fs, P188fs.
Identifiers: ClinVar variation 4759345 (VCV004759345.1).
Genomic context (GRCh38, chr10:97,263,469, plus strand): 5'-CCTATACTCACCAGCGATTTTGAGGTGTGCATTGAAGTGTTTATGTGTCAGCAGAGGCTC[CG>C]GCAACTCTCCTAGAAACATCTTCAGCAAAGTGGCAACATCATTTGAGTGAAATTCCCCTG-3'